The following is an entry in ClinVar:

ClinVar aggregate classification (germline): Likely pathogenic. Review status: criteria provided, multiple submitters, no conflicts (2 of 4 stars). 2 submissions from 2 submitters: Likely pathogenic (2). Last evaluated 2023-07-20.

Conditions:
Predisposition to invasive fungal disease due to CARD9 deficiency (IMD103). Also called: CARD9 IMMUNODEFICIENCY; IMMUNODEFICIENCY 103, SUSCEPTIBILITY TO FUNGAL INFECTIONS; Candidiasis, familial, 2, autosomal recessive. Identifiers: Orphanet 457088, MedGen C1859353, MONDO:0008905, OMIM 212050.

Submissions (2):

Labcorp Genetics (formerly Invitae), Labcorp
Classification: Likely pathogenic for Predisposition to invasive fungal disease due to CARD9 deficiency. Last evaluated: 2023-07-20. Review status: criteria provided, single submitter. Criteria: Invitae Variant Classification Sherloc (09022015). Collection method: clinical testing. Allele origin: germline.
Comment: In summary, the currently available evidence indicates that the variant is pathogenic, but additional data are needed to prove that conclusively. Therefore, this variant has been classified as Likely Pathogenic. Algorithms developed to predict the effect of sequence changes on RNA splicing suggest that this variant may disrupt the consensus splice site. This variant has not been reported in the literature in individuals affected with CARD9-related conditions. This variant is not present in population databases (gnomAD no frequency). This sequence change affects an acceptor splice site in intron 10 of the CARD9 gene. It is expected to disrupt RNA splicing. Variants that disrupt the donor or acceptor splice site typically lead to a loss of protein function (PMID: 16199547), and loss-of-function variants in CARD9 are known to be pathogenic (PMID: 19864672, 24131138, 24231284).

Juno Genomics, Hangzhou Juno Genomics, Inc
Classification: Likely pathogenic for Predisposition to invasive fungal disease due to CARD9 deficiency. Review status: criteria provided, single submitter. Criteria: ACMG Guidelines, 2015. Collection method: clinical testing. Allele origin: germline.
Comment: Null variant in a gene where loss of function (LOF) is a known mechanism of disease.;Absent from controls (or at extremely low frequency if recessive) in Genome Aggregation Database.

Literature cited by the submitters: PubMed 16199547 (cited by Labcorp Genetics (formerly Invitae), Labcorp); PubMed 19864672 (cited by Labcorp Genetics (formerly Invitae), Labcorp); PubMed 24131138 (cited by Labcorp Genetics (formerly Invitae), Labcorp); PubMed 24231284 (cited by Labcorp Genetics (formerly Invitae), Labcorp).

NM_052813.5(CARD9):c.1358-1G>A

Gene: CARD9 (caspase recruitment domain family member 9; minus strand). Cytogenetic location: 9q34.3.
Variant type: single nucleotide variant.
Coding change: c.1358-1G>A on transcript NM_052813.5 (MANE Select); the canonical splice acceptor site of the intron before coding-DNA position 1358, G replaced by A.
Molecular consequence: splice acceptor variant.
Genome position (GRCh38, 1-based): chr9:136,365,218, C>T on the plus strand (G>A on the coding strand, the complement: CARD9 is on the minus strand). VCF-style: chr9-136365218-C-T. GRCh37 (hg19) VCF-style: chr9-139259670-C-T.
Other names: c.1358-1G>A (NM_052814.4).
Identifiers: ClinVar variation 2871709 (VCV002871709.5), dbSNP rs2538654287, ClinGen allele CA375542009.
Genomic context (GRCh38, chr9:136,365,218, plus strand): 5'-CCTGCTCCTGGTGCAGAGCTGCAAAGGGCTGTTTCGGGCTCCCCCCGCCGGCAAGGCAGC[C>T]TGGAAAGGAGAGTCGTGCCTGTGGGACCTGCCCATCTGCTGGGCCACGTATAGCACGGCT-3'